The following is an entry in ClinVar:

ClinVar aggregate classification (germline): Likely benign. Review status: criteria provided, multiple submitters, no conflicts (2 of 4 stars). 4 submissions from 4 submitters: Likely benign (4). Last evaluated 2025-05-15.

Conditions:
Lynch syndrome. Identifiers: Orphanet 144, MedGen C4552100, MONDO:0005835. Disease mechanism: loss of function.
Hereditary nonpolyposis colorectal neoplasms. Identifiers: MedGen C0009405, MeSH D003123.
Hereditary cancer-predisposing syndrome. Also called: Tumor predisposition; Hereditary Cancer Syndrome; Neoplastic Syndromes, Hereditary; Hereditary neoplastic syndrome. Identifiers: Orphanet 140162, MedGen C0027672, MeSH D009386, MONDO:0015356.
Lynch syndrome 4 (LYNCH4). Also called: Colorectal cancer, hereditary nonpolyposis, type 4; Hereditary non-polyposis colorectal cancer, type 4. Identifiers: Orphanet 144, MedGen C1838333, MONDO:0013699, OMIM 614337. Disease mechanism: loss of function.

gnomAD v4.1: 3 of 1,385,718 alleles (0.00022%); highest among the groups gnomAD compares: Non-Finnish European, 0.00031%; no homozygotes.

Submissions (4):

Labcorp Genetics (formerly Invitae), Labcorp
Classification: Likely benign for Hereditary nonpolyposis colorectal neoplasms. Last evaluated: 2025-05-15. Review status: criteria provided, single submitter. Criteria: Invitae Variant Classification Sherloc (09022015). Collection method: clinical testing. Allele origin: germline.

Myriad Genetics, Inc.
Classification: Likely benign for Lynch syndrome 4. Last evaluated: 2025-01-29. Review status: criteria provided, single submitter. Criteria: Myriad Autosomal Dominant, Autosomal Recessive and X-Linked Classification Criteria (2023). Collection method: clinical testing. Allele origin: unknown.
Comment: This variant is considered likely benign. This variant is intronic and is not expected to impact mRNA splicing.

All of Us Research Program, National Institutes of Health
Classification: Likely benign for Lynch syndrome. Last evaluated: 2023-09-17. Review status: criteria provided, single submitter. Criteria: ACMG Guidelines, 2015. Collection method: clinical testing. Allele origin: germline. Inheritance: Autosomal dominant inheritance. Observed: 1 variant allele, 1 heterozygote.
Comment: This study involves interpretation of variants in research participants for the purpose of population health screening. Participant phenotype was not available at the time of variant classification. Additional details can be found in publication PMID: 35346344, PMCID: PMC8962531

Color Diagnostics, LLC DBA Color Health
Classification: Likely benign for Hereditary cancer-predisposing syndrome. Last evaluated: 2021-07-29. Review status: criteria provided, single submitter. Criteria: ACMG Guidelines, 2015. Collection method: clinical testing. Allele origin: germline.

NM_000535.7(PMS2):c.904-14T>C

Gene: PMS2 (PMS1 homolog 2, mismatch repair system component; minus strand). Cytogenetic location: 7p22.1.
Variant type: single nucleotide variant.
Coding change: c.904-14T>C on transcript NM_000535.7 (MANE Select); 14 bases into the intron before coding-DNA position 904, T replaced by C.
Molecular consequence: intron variant.
Genome position (GRCh38, 1-based): chr7:5,992,071, A>G on the plus strand (T>C on the coding strand, the complement: PMS2 is on the minus strand). VCF-style: chr7-5992071-A-G. GRCh37 (hg19) VCF-style: chr7-6031702-A-G.
Other names: c.586-14T>C (NM_001322008.2, NM_001322007.2); c.499-14T>C (NM_001322010.2, NM_001322004.2, NM_001322003.2 and 2 more transcripts); c.331-14T>C (NM_001322013.2); c.-30-14T>C (NM_001322012.2, NM_001322011.2); c.595-14T>C (NM_001322015.2); c.904-14T>C (NM_001322006.2, NM_001322014.2).
Identifiers: ClinVar variation 1332132 (VCV001332132.12), dbSNP rs1064795266, ClinGen allele CA2573052900.